The following is an entry in ClinVar:

NM_020693.4(DSCAML1):c.5117A>T (p.His1706Leu)

Gene: DSCAML1 (DS cell adhesion molecule like 1; minus strand). Cytogenetic location: 11q23.3.
Variant type: single nucleotide variant.
Coding change: c.5117A>T on transcript NM_020693.4 (MANE Select); coding-DNA position 5117, A replaced by T.
Protein change: p.His1706Leu; replaces histidine 1706 with leucine.
Molecular consequence: missense variant.
Genome position (GRCh38, 1-based): chr11:117,432,414, T>A on the plus strand (A>T on the coding strand, the complement: DSCAML1 is on the minus strand). VCF-style: chr11-117432414-T-A. GRCh37 (hg19) VCF-style: chr11-117303130-T-A.
Other names: short protein forms H1706L.
Identifiers: ClinVar variation 2023061 (VCV002023061.4), dbSNP rs747983882, ClinGen allele CA382755483.

ClinVar aggregate classification (germline): Uncertain significance (1 of 4 stars; one submission).

Submission:

Labcorp Genetics (formerly Invitae), Labcorp
Classification: Uncertain significance. Last evaluated: 2022-08-09. Review status: criteria provided, single submitter. Criteria: Invitae Variant Classification Sherloc (09022015). Collection method: clinical testing. Allele origin: germline.
Comment: This sequence change replaces histidine, which is basic and polar, with leucine, which is neutral and non-polar, at codon 1766 of the DSCAML1 protein (p.His1766Leu). This variant is not present in population databases (gnomAD no frequency). This variant has not been reported in the literature in individuals affected with DSCAML1-related conditions. Algorithms developed to predict the effect of missense changes on protein structure and function are either unavailable or do not agree on the potential impact of this missense change (SIFT: "Deleterious"; PolyPhen-2: "Benign"; Align-GVGD: "Class C0"). In summary, the available evidence is currently insufficient to determine the role of this variant in disease. Therefore, it has been classified as a Variant of Uncertain Significance.